The following is an entry in ClinVar:

NM_006996.3(SLC19A2):c.-114C>T

Gene: SLC19A2 (solute carrier family 19 member 2; minus strand). Cytogenetic location: 1q24.2.
Variant type: single nucleotide variant.
Coding change: c.-114C>T on transcript NM_006996.3 (MANE Select); 114 bases upstream of the start codon, C replaced by T.
Molecular consequence: 5 prime UTR variant.
Genome position (GRCh38, 1-based): chr1:169,485,880, G>A on the plus strand (C>T on the coding strand, the complement: SLC19A2 is on the minus strand). VCF-style: chr1-169485880-G-A. GRCh37 (hg19) VCF-style: chr1-169455118-G-A.
Other names: c.-114C>T (NM_001319667.1).
Identifiers: ClinVar variation 293538 (VCV000293538.30), dbSNP rs145285893, ClinGen allele CA10608115.

ClinVar aggregate classification (germline): Likely benign. Review status: criteria provided, multiple submitters, no conflicts (2 of 4 stars). 2 submissions from 2 submitters: Likely benign (2). Last evaluated 2023-05-01.

Conditions:
Megaloblastic anemia, thiamine-responsive, with diabetes mellitus and sensorineural deafness (TRMA). Also called: THIAMINE-RESPONSIVE ANEMIA SYNDROME; THIAMINE-RESPONSIVE MYELODYSPLASIA; THIAMINE METABOLISM DYSFUNCTION SYNDROME 1 (MEGALOBLASTIC ANEMIA, DIABETES MELLITUS, AND DEAFNESS TYPE); ROGERS SYNDROME; Thiamine-Responsive Megaloblastic Anemia Syndrome. Identifiers: Orphanet 49827, MedGen C0342287, MONDO:0009575, OMIM 249270.

Allele frequency attached by ClinVar (database versions not stated): gnomAD 0.00519 and 0.00522; TOPMed 0.00606; 1000 Genomes Project 0.00719; 1000 Genomes Project 30x 0.00765; gnomAD exomes 0.00771.
gnomAD v4.1: 8,879 of 1,197,064 alleles (0.74%); highest among the groups gnomAD compares: South Asian, 1%; 49 homozygotes.

Submissions (2):

CeGaT Center for Human Genetics Tuebingen
Classification: Likely benign. Last evaluated: 2023-05-01. Review status: criteria provided, single submitter. Criteria: CeGaT Center For Human Genetics Tuebingen Variant Classification Criteria Version 2. Collection method: clinical testing. Allele origin: germline. Affected: yes. Observed: 3 variant alleles.
Comment: SLC19A2: BS1

Illumina Laboratory Services, Illumina
Classification: Likely benign for Megaloblastic anemia, thiamine-responsive, with diabetes mellitus and sensorineural deafness. Last evaluated: 2018-01-13. Review status: criteria provided, single submitter. Criteria: ICSL Variant Classification Criteria 13 December 2019. Collection method: clinical testing. Allele origin: germline.
Comment: This variant was observed in the ICSL laboratory as part of a predisposition screen in an ostensibly healthy population. It had not been previously curated by ICSL or reported in the Human Gene Mutation Database (HGMD: prior to June 1st, 2018), and was therefore a candidate for classification through an automated scoring system. Utilizing variant allele frequency, disease prevalence and penetrance estimates, and inheritance mode, an automated score was calculated to assess if this variant is too frequent to cause the disease. Based on the score and internal cut-off values, a variant classified as likely benign is not then subjected to further curation. The score for this variant resulted in a classification of likely benign for this disease.